The following is an entry in ClinVar:

NM_000124.4(ERCC6):c.37_49del (p.Gln13fs)

Gene: ERCC6 (ERCC excision repair 6, chromatin remodeling factor; minus strand). Cytogenetic location: 10q11.23.
Variant type: Deletion.
Coding change: c.37_49del on transcript NM_000124.4 (MANE Select); coding-DNA positions 37 to 49, 13 bases deleted (CAGGAGCAAGACT).
Protein change: p.Gln13fs; shifts the reading frame from glutamine 13.
Molecular consequence: frameshift variant.
Genome position (GRCh38, 1-based): chr10:49,532,916-49,532,928, AGTCTTGCTCCTG deleted on the plus strand (CAGGAGCAAGACT on the coding strand, the reverse complement: ERCC6 is on the minus strand); deleting any 13 consecutive bases within chr10:49,532,916-49,532,931 gives the same sequence; the c. name uses the placement nearest the transcript's 3' end. VCF-style (leftmost placement, unchanged base first): chr10-49532915-CAGTCTTGCTCCTG-C. GRCh37 (hg19) VCF-style: chr10-50740961-CAGTCTTGCTCCTG-C.
Other names: c.37_49del, p.Gln13fs (NM_001277058.2, NM_001277059.2, NM_001346440.2); short protein forms Q13fs.
Identifiers: ClinVar variation 655399 (VCV000655399.7), dbSNP rs1590492448, ClinGen allele CA912969872.
Genomic context (GRCh38, chr10:49,532,915, plus strand): 5'-CCACCACTTTCTTGCTTGATTGCCATTTCTTCATTATTACTGACAGGTTGACTCTGTAAA[CAGTCTTGCTCCTG>C]AGTTTGACTTGAGTGGGGGATTCCCTCATTTGGCATTCTCTACAGACTACCTAAAAGGAA-3'

ClinVar aggregate classification (germline): Pathogenic/Likely pathogenic. Review status: criteria provided, multiple submitters, no conflicts (2 of 4 stars). 2 submissions from 2 submitters: Pathogenic (1); Likely pathogenic (1). Last evaluated 2026-08-06.

Conditions:
Age related macular degeneration 5. Identifiers: MedGen C3151063, MONDO:0013409, OMIM 613761.

Submissions (2):

OLLIN Analises Genomicas, OLLIN
Classification: Likely pathogenic for Age related macular degeneration 5. Last evaluated: 2026-08-06. Review status: criteria provided, single submitter. Criteria: ACMG Guidelines 2015 PMID 25741868. Collection method: clinical testing. Allele origin: germline.
Comment: This frameshift variant, located in exon 2 (of 21), is absent from gnomAD and has not been identified in the literature. However, it has been reported in ClinVar (accession VCV000655399.6). This variant causes a frameshift and introduces a premature stop codon, which is predicted to result in either a truncated protein or degradation of the mRNA via nonsense-mediated decay (NMD). According to the currently available evidence, this variant has been classified as likely pathogenic (PVS1, PM2_P).

Labcorp Genetics (formerly Invitae), Labcorp
Classification: Pathogenic. Last evaluated: 2018-12-18. Review status: criteria provided, single submitter. Criteria: Invitae Variant Classification Sherloc (09022015). Collection method: clinical testing. Allele origin: germline.
Comment: This sequence change creates a premature translational stop signal (p.Gln13Valfs*67) in the ERCC6 gene. It is expected to result in an absent or disrupted protein product. This variant is not present in population databases (ExAC no frequency). This variant has not been reported in the literature in individuals with ERCC6-related conditions. Loss-of-function variants in ERCC6 are known to be pathogenic (PMID: 9443879, 18628313). For these reasons, this variant has been classified as Pathogenic.

Literature cited by the submitters: PubMed 9443879 (cited by Labcorp Genetics (formerly Invitae), Labcorp); PubMed 18628313 (cited by Labcorp Genetics (formerly Invitae), Labcorp).